The following is an entry in ClinVar:

ClinVar aggregate classification (germline): Uncertain significance (1 of 4 stars; one submission).

Allele frequency attached by ClinVar (database versions not stated): ExAC 0.00003; ESP Exome Variant Server 0.00015; gnomAD 0.00003; gnomAD exomes 0.00004; TOPMed 0.00006.
gnomAD v4.1: 31 of 1,610,462 alleles (0.0019%); highest among the groups gnomAD compares: Admixed American, 0.0084%; no homozygotes.

Submission:

Laboratory for Molecular Medicine, Mass General Brigham Personalized Medicine
Classification: Uncertain significance. Last evaluated: 2018-09-17. Review status: criteria provided, single submitter. Criteria: LMM Criteria. Collection method: clinical testing. Allele origin: germline. Observed: 1 variant allele.
Comment: The p.Asp917Asn variant in TECTA has not been previously reported in individuals with hearing loss but has been identified in 0.01% (3/24010) of African chromos omes by the Genome Aggregation Database (gnomAD, g). Computational prediction tools and conservation analysis suggest that the p. Asp917Asn variant may impact the protein, though this information is not predict ive enough to determine pathogenicity. In summary, the clinical significance of the p.Asp917Asn variant is uncertain. ACMG/AMP Criteria applied: PP3.

NM_005422.4(TECTA):c.2749G>A (p.Asp917Asn)

Genes: TBCEL-TECTA (TBCEL-TECTA readthrough; plus strand), TECTA (tectorin alpha; plus strand), LOC126861365 (P300/CBP strongly-dependent group 1 enhancer GRCh37_chr11:121000154-121001353; plus strand). Cytogenetic location: 11q23.3.
Variant type: single nucleotide variant.
Coding change: c.2749G>A on transcript NM_005422.4 (MANE Select); coding-DNA position 2749, G replaced by A.
Protein change: p.Asp917Asn; replaces aspartic acid 917 with asparagine.
Molecular consequence: missense variant.
Genome position (GRCh38, 1-based): chr11:121,130,019, G>A. VCF-style: chr11-121130019-G-A. GRCh37 (hg19) VCF-style: chr11-121000728-G-A.
Other names: c.3706G>A, p.Asp1236Asn (NM_001378761.1); short protein forms D917N, D1236N.
Identifiers: ClinVar variation 666927 (VCV000666927.4), dbSNP rs145852265, ClinGen allele CA6327056.